The following is an entry in ClinVar:

ClinVar aggregate classification (germline): Likely pathogenic (1 of 4 stars; one submission).

Conditions:
Usher syndrome type 2A. Also called: RETINAL DISEASE IN USHER SYNDROME TYPE IIA, MODIFIER OF; USHER SYNDROME, TYPE IIA. Identifiers: Orphanet 231178, Orphanet 886, MedGen C1848634, MONDO:0010169, OMIM 276901.

Submission:

Natera, Inc.
Classification: Likely pathogenic for Usher syndrome type 2A. Last evaluated: 2024-10-21. Review status: criteria provided, single submitter. Criteria: Natera Variant Classification Schema (03/2026). Collection method: clinical testing. Allele origin: germline.
Comment: The c.8410G>T variant in USH2A is a nonsense variant predicted to introduce a stop codon at amino acid 2804. This variant is expected to result in nonsense mediated decay, truncation, or a dysfunctional protein product. This variant is rare in the general population with a frequency below the threshold expected for the associated phenotype(s). Given the available evidence, this variant is classified as Likely Pathogenic.

NM_206933.4(USH2A):c.8410G>T (p.Gly2804Ter)

Gene: USH2A (usherin; minus strand). Cytogenetic location: 1q41.
Variant type: single nucleotide variant.
Coding change: c.8410G>T on transcript NM_206933.4 (MANE Select); coding-DNA position 8410, G replaced by T.
Protein change: p.Gly2804Ter; replaces glycine 2804 with a stop codon.
Molecular consequence: nonsense.
Genome position (GRCh38, 1-based): chr1:215,878,912, C>A on the plus strand (G>T on the coding strand, the complement: USH2A is on the minus strand). VCF-style: chr1-215878912-C-A. GRCh37 (hg19) VCF-style: chr1-216052254-C-A.
Other names: short protein forms G2804*.
Identifiers: ClinVar variation 4817156 (VCV004817156.1).
Genomic context (GRCh38, chr1:215,878,912, plus strand): 5'-CATTCTGAGGTACGGTGGGGTGAGTGGTAACATAGGTAGGTAAACTCTCTGTGCACCCTC[C>A]AAGGTACCCATTACCCCCTGAGCAAGCAACAATGGTGACAGAATAATTAGTGAAAGGAAT-3'